The following is an entry in ClinVar:

ClinVar aggregate classification (germline): Likely benign. Review status: reviewed by expert panel (3 of 4 stars). 4 submissions from 4 submitters: Likely benign (1). 3 of the submissions do not count toward it. Last evaluated 2017-06-29.

Conditions:
Hereditary cancer-predisposing syndrome. Also called: Hereditary Cancer Syndrome; Hereditary neoplastic syndrome; Tumor predisposition; Neoplastic Syndromes, Hereditary. Identifiers: Orphanet 140162, MedGen C0027672, MeSH D009386, MONDO:0015356.
Hereditary breast ovarian cancer syndrome. Also called: Hereditary breast and ovarian cancer syndrome; Hereditary breast and ovarian cancer syndrome (HBOC); BRCA1- and BRCA2-Associated Hereditary Breast and Ovarian Cancer; Breast and ovarian cancer; Hereditary breast and ovarian cancer; Hereditary breast and/or ovarian cancer syndrome. Identifiers: Orphanet 145, MedGen C0677776, MeSH D061325, MONDO:0003582. Disease mechanism: loss of function.
Breast-ovarian cancer, familial, susceptibility to, 1 (BROVCA1). Also called: OVARIAN CANCER, SUSCEPTIBILITY TO; BRCA1 Hereditary Breast and Ovarian Cancer. Identifiers: Orphanet 145, MedGen C2676676, MONDO:0011450, OMIM 604370. Disease mechanism: loss of function.

Allele frequency attached by ClinVar (database versions not stated): gnomAD exomes 0.00001 and 0.00002; ExAC 0.00004.
gnomAD v4.1: 4 of 1,614,072 alleles (0.00025%); highest among the groups gnomAD compares: Non-Finnish European, 0.00034%; no homozygotes.

Submissions (5):

Evidence-based Network for the Interpretation of Germline Mutant Alleles (ENIGMA)
Classification: Likely benign for Breast-ovarian cancer, familial, susceptibility to, 1. Last evaluated: 2017-06-29. Review status: reviewed by expert panel. Criteria: ENIGMA BRCA1/2 Classification Criteria (2017-06-29). Collection method: curation. Allele origin: germline.
Comment: Synonymous substitution variant, with low bioinformatic likelihood to result in a splicing aberration (Splicing prior probability 0.02).

Ambry Genetics
Classification: Likely benign for Hereditary cancer-predisposing syndrome. Last evaluated: 2025-05-22. Review status: criteria provided, single submitter. Criteria: Ambry Variant Classification Scheme 2023. Collection method: clinical testing. Allele origin: germline. Not counted in ClinVar's aggregate classification.

Labcorp Genetics (formerly Invitae), Labcorp
Classification: Likely benign for Hereditary breast ovarian cancer syndrome. Last evaluated: 2021-11-17. Review status: criteria provided, single submitter. Criteria: Invitae Variant Classification Sherloc (09022015). Collection method: clinical testing. Allele origin: germline. Not counted in ClinVar's aggregate classification.

GeneDx
Classification: Likely benign. Last evaluated: 2016-03-29. Review status: criteria provided, single submitter. Criteria: GeneDx Variant Classification (06012015). Collection method: clinical testing. Allele origin: germline. Affected: yes. Not counted in ClinVar's aggregate classification.
Comment: This variant is considered likely benign or benign based on one or more of the following criteria: it is a conservative change, it occurs at a poorly conserved position in the protein, it is predicted to be benign by multiple in silico algorithms, and/or has population frequency not consistent with disease.

Brotman Baty Institute, University of Washington
No classification provided (evidence only). Condition: Breast-ovarian cancer, familial 1. Review status: no classification provided. Collection method: in vitro. Allele origin: not applicable. Functional consequence: functionally_normal. Not counted in ClinVar's aggregate classification.
ClinVar note: "not provided" was previously submitted as the classification for the variant. However, the classification appeared to be based only on an observation of functional data so it was converted to no classification on 2025-07-30.

NM_007294.4(BRCA1):c.5094A>G (p.Glu1698=)

Gene: BRCA1 (BRCA1 DNA repair associated; minus strand). Cytogenetic location: 17q21.31.
Variant type: single nucleotide variant.
Coding change: c.5094A>G on transcript NM_007294.4 (MANE Select); coding-DNA position 5094, A replaced by G.
Protein change: p.Glu1698=; no amino-acid change (glutamic acid 1698 retained).
Molecular consequence: synonymous variant. On other transcripts: intron variant (2).
Genome position (GRCh38, 1-based): chr17:43,063,932, T>C on the plus strand (A>G on the coding strand, the complement: BRCA1 is on the minus strand). VCF-style: chr17-43063932-T-C. GRCh37 (hg19) VCF-style: chr17-41215949-T-C.
Other names: c.4881A>G, p.Glu1627= (NM_001407571.1, NM_001407900.1, NM_001407902.1 and 12 more transcripts); c.5160A>G, p.Glu1720= (NM_001407581.1, NM_001407582.1); c.5157A>G, p.Glu1719= (NM_001407583.1, NM_001407585.1, NM_001407587.1 and 1 more transcripts); c.5154A>G, p.Glu1718= (NM_001407590.1, NM_001407591.1); c.5094A>G, p.Glu1698= (NM_001407593.1, NM_001407594.1, NM_001407596.1 and 7 more transcripts); c.5091A>G, p.Glu1697= (NM_001407610.1, NM_001407611.1, NM_001407612.1 and 17 more transcripts); c.5088A>G, p.Glu1696= (NM_001407627.1, NM_001407628.1, NM_001407629.1 and 14 more transcripts); c.5085A>G, p.Glu1695= (NM_001407644.1, NM_001407645.1); and 73 more.
Identifiers: ClinVar variation 184426 (VCV000184426.18), dbSNP rs764891781, ClinGen allele CA003232.